The following is an entry in ClinVar:

NM_014991.6(WDFY3):c.8764C>T (p.Pro2922Ser)

Gene: WDFY3 (WD repeat and FYVE domain containing 3; minus strand). Cytogenetic location: 4q21.23.
Variant type: single nucleotide variant.
Coding change: c.8764C>T on transcript NM_014991.6 (MANE Select); coding-DNA position 8764, C replaced by T.
Protein change: p.Pro2922Ser; replaces proline 2922 with serine.
Molecular consequence: missense variant.
Genome position (GRCh38, 1-based): chr4:84,696,107, G>A on the plus strand (C>T on the coding strand, the complement: WDFY3 is on the minus strand). VCF-style: chr4-84696107-G-A. GRCh37 (hg19) VCF-style: chr4-85617260-G-A.
Other names: short protein forms P2922S.
Identifiers: ClinVar variation 1676896 (VCV001676896.2), dbSNP rs1447558625, ClinGen allele CA357538702.

ClinVar aggregate classification (germline): Uncertain significance (1 of 4 stars; one submission).

Allele frequency attached by ClinVar (database versions not stated): TOPMed below 0.00001; gnomAD exomes 0.00001 and 0.00002.
gnomAD v4.1: 4 of 1,614,054 alleles (0.00025%); highest among the groups gnomAD compares: Admixed American, 0.0067%; no homozygotes.

Submission:

GeneDx
Classification: Uncertain significance. Last evaluated: 2021-10-12. Review status: criteria provided, single submitter. Criteria: GeneDx Variant Classification Process June 2021. Collection method: clinical testing. Allele origin: germline. Affected: yes.
Comment: In silico analysis supports that this missense variant has a deleterious effect on protein structure/function; Has not been previously published as pathogenic or benign to our knowledge